The following is an entry in ClinVar:

ClinVar aggregate classification (germline): Uncertain significance (1 of 4 stars; one submission).

Conditions:
Multiple congenital exostosis (EXT). Also called: Hereditary multiple exostoses; Hereditary multiple exostosis; Multiple osteochondromas; Multiple exostoses; MULTIPLE CARTILAGINOUS EXOSTOSES; Hereditary multiple osteochondromas. Identifiers: Orphanet 321, MedGen C0015306, MONDO:0005508, HP:0002762.

Submission:

Labcorp Genetics (formerly Invitae), Labcorp
Classification: Uncertain significance for Multiple congenital exostosis. Last evaluated: 2024-04-06. Review status: criteria provided, single submitter. Criteria: Invitae Variant Classification Sherloc (09022015). Collection method: clinical testing. Allele origin: germline.
Comment: This sequence change replaces proline, which is neutral and non-polar, with alanine, which is neutral and non-polar, at codon 477 of the EXT1 protein (p.Pro477Ala). This variant is not present in population databases (gnomAD no frequency). This variant has not been reported in the literature in individuals affected with EXT1-related conditions. Advanced modeling of protein sequence and biophysical properties (such as structural, functional, and spatial information, amino acid conservation, physicochemical variation, residue mobility, and thermodynamic stability) performed at Invitae indicates that this missense variant is not expected to disrupt EXT1 protein function with a negative predictive value of 80%. In summary, the available evidence is currently insufficient to determine the role of this variant in disease. Therefore, it has been classified as a Variant of Uncertain Significance.

NM_000127.3(EXT1):c.1429C>G (p.Pro477Ala)

Gene: EXT1 (exostosin glycosyltransferase 1; minus strand). Cytogenetic location: 8q24.11.
Variant type: single nucleotide variant.
Coding change: c.1429C>G on transcript NM_000127.3 (MANE Select); coding-DNA position 1429, C replaced by G.
Protein change: p.Pro477Ala; replaces proline 477 with alanine.
Molecular consequence: missense variant.
Genome position (GRCh38, 1-based): chr8:117,819,783, G>C on the plus strand (C>G on the coding strand, the complement: EXT1 is on the minus strand). VCF-style: chr8-117819783-G-C. GRCh37 (hg19) VCF-style: chr8-118832022-G-C.
Other names: short protein forms P477A.
Identifiers: ClinVar variation 2993914 (VCV002993914.3), dbSNP rs2129741342, ClinGen allele CA371885526.